The following is an entry in ClinVar:

ClinVar aggregate classification (germline): Likely benign. Review status: criteria provided, multiple submitters, no conflicts (2 of 4 stars). 3 submissions from 3 submitters: Likely benign (3). Last evaluated 2026-01-25.

Conditions:
Tuberous sclerosis 2 (TSC2). Identifiers: Orphanet 805, MedGen C1860707, MONDO:0013199, OMIM 613254.

Allele frequency attached by ClinVar (database versions not stated): gnomAD exomes 0.00001; TOPMed 0.00001.
gnomAD v4.1: 10 of 1,570,452 alleles (0.00064%); highest among the groups gnomAD compares: Non-Finnish European, 0.00078%; no homozygotes.

Submissions (3):

Labcorp Genetics (formerly Invitae), Labcorp
Classification: Likely benign for Tuberous sclerosis 2. Last evaluated: 2026-01-25. Review status: criteria provided, single submitter. Criteria: Invitae Variant Classification Sherloc (09022015). Collection method: clinical testing. Allele origin: germline.

Myriad Genetics, Inc.
Classification: Likely benign for Tuberous sclerosis 2. Last evaluated: 2025-06-02. Review status: criteria provided, single submitter. Criteria: Myriad Autosomal Dominant, Autosomal Recessive and X-Linked Classification Criteria (2023). Collection method: clinical testing. Allele origin: unknown.
Comment: This variant is considered likely benign. This variant is intronic and is not expected to impact mRNA splicing.

Blueprint Genetics
Classification: Likely benign. Last evaluated: 2024-05-02. Review status: criteria provided, single submitter. Criteria: ACMG Guidelines, 2015. Collection method: clinical testing. Allele origin: germline.

NM_000548.5(TSC2):c.4006-14A>G

Gene: TSC2 (TSC complex subunit 2; plus strand). Cytogenetic location: 16p13.3.
Variant type: single nucleotide variant.
Coding change: c.4006-14A>G on transcript NM_000548.5 (MANE Select); 14 bases into the intron before coding-DNA position 4006, A replaced by G.
Molecular consequence: intron variant.
Genome position (GRCh38, 1-based): chr16:2,084,214, A>G. VCF-style: chr16-2084214-A-G. GRCh37 (hg19) VCF-style: chr16-2134215-A-G.
Other names: c.3937-14A>G (NM_001114382.3); c.3877-14A>G (NM_021055.3, NM_001370405.1); c.3808-14A>G (NM_001363528.2); c.3874-14A>G (NM_001370404.1); c.3805-14A>G (NM_001077183.3); c.3697-14A>G (NM_001318827.2); c.3274-14A>G (NM_001318831.2); c.3661-14A>G (NM_001318829.2); and 1 more.
Identifiers: ClinVar variation 1559946 (VCV001559946.10), dbSNP rs1350511311, ClinGen allele CA620704964.
Genomic context (GRCh38, chr16:2,084,214, plus strand): 5'-CACCTCCAGGTCAACCCCAGGTGGGCTCGAGGGTGCCTGCTGACAGGGGTTCTCTTTGGG[A>G]TGGTCCTTTCTAGTCGTCCTCAGTCTCCAGCCAGGAGGAGAAGTCGCTCCACGCGGAGGA-3'